The following is an entry in ClinVar:

NM_000069.3(CACNA1S):c.1233-111G>A

Gene: CACNA1S (calcium voltage-gated channel subunit alpha1 S; minus strand). Cytogenetic location: 1q32.1.
Variant type: single nucleotide variant.
Coding change: c.1233-111G>A on transcript NM_000069.3 (MANE Select); 111 bases into the intron before coding-DNA position 1233, G replaced by A.
Molecular consequence: intron variant.
Genome position (GRCh38, 1-based): chr1:201,083,433, C>T on the plus strand (G>A on the coding strand, the complement: CACNA1S is on the minus strand). VCF-style: chr1-201083433-C-T. GRCh37 (hg19) VCF-style: chr1-201052561-C-T.
Identifiers: ClinVar variation 677702 (VCV000677702.1), dbSNP rs147434169, ClinGen allele CA35988202.

ClinVar aggregate classification (germline): Likely benign (1 of 4 stars; one submission).

Allele frequency attached by ClinVar (database versions not stated): 1000 Genomes Project 30x 0.00312; 1000 Genomes Project 0.00319; TOPMed 0.00584; gnomAD 0.00936 and 0.00984; gnomAD exomes 0.00980.
gnomAD v4.1: 10,606 of 1,096,874 alleles (0.97%); highest among the groups gnomAD compares: Non-Finnish European, 1%; 110 homozygotes.

Submission:

GeneDx
Classification: Likely benign. Last evaluated: 2018-06-14. Review status: criteria provided, single submitter. Criteria: GeneDx Variant Classification (06012015). Collection method: clinical testing. Allele origin: germline. Affected: yes.
Comment: This variant is considered likely benign or benign based on one or more of the following criteria: it is a conservative change, it occurs at a poorly conserved position in the protein, it is predicted to be benign by multiple in silico algorithms, and/or has population frequency not consistent with disease.